The following is an entry in ClinVar:

ClinVar aggregate classification (germline): Uncertain significance (1 of 4 stars; one submission).

Conditions:
Familial cold autoinflammatory syndrome 2 (FCAS2). Identifiers: Orphanet 247868, MedGen C2673198, MONDO:0012724, OMIM 611762.

Allele frequency attached by ClinVar (database versions not stated): ExAC 0.00001; gnomAD 0.00001; gnomAD exomes 0.00001; TOPMed 0.00003; ESP Exome Variant Server 0.00008.

Submission:

Labcorp Genetics (formerly Invitae), Labcorp
Classification: Uncertain significance for Familial cold autoinflammatory syndrome 2. Last evaluated: 2025-04-21. Review status: criteria provided, single submitter. Criteria: Invitae Variant Classification Sherloc (09022015). Collection method: clinical testing. Allele origin: germline.
Comment: This variant, c.2787_2798del, results in the deletion of 4 amino acid(s) of the NLRP12 protein (p.Cys930_Leu933del), but otherwise preserves the integrity of the reading frame. This variant is present in population databases (rs761789218, gnomAD 0.006%). This variant has not been reported in the literature in individuals affected with NLRP12-related conditions. ClinVar contains an entry for this variant (Variation ID: 1035354). Experimental studies and prediction algorithms are not available or were not evaluated, and the functional significance of this variant is currently unknown. In summary, the available evidence is currently insufficient to determine the role of this variant in disease. Therefore, it has been classified as a Variant of Uncertain Significance.

NM_144687.4(NLRP12):c.2787_2798del (p.Cys930_Leu933del)

Gene: NLRP12 (NLR family pyrin domain containing 12; minus strand). Cytogenetic location: 19q13.42.
Variant type: Deletion.
Coding change: c.2787_2798del on transcript NM_144687.4 (MANE Select); coding-DNA positions 2787 to 2798, 12 bases deleted (CTGTGAGGGTCT).
Protein change: p.Cys930_Leu933del.
Molecular consequence: inframe deletion. On other transcripts: intron variant (1).
Genome position (GRCh38, 1-based): chr19:53,798,372-53,798,383, AGACCCTCACAG deleted on the plus strand (CTGTGAGGGTCT on the coding strand, the reverse complement: NLRP12 is on the minus strand). VCF-style (leftmost placement, unchanged base first): chr19-53798371-AAGACCCTCACAG-A. GRCh37 (hg19) VCF-style: chr19-54301625-AAGACCCTCACAG-A.
Other names: c.2790_2801del, p.Cys931_Leu934del (NM_001277126.2); c.2757-2354_2757-2343del (NM_001277129.1).
Identifiers: ClinVar variation 1035354 (VCV001035354.8), dbSNP rs761789218, ClinGen allele CA9638894.
Genomic context (GRCh38, chr19:53,798,371, plus strand): 5'-CAGGTCGTTGAAACTCAAGTCCAGCTCCCGGAGGTTGTGGTTGGCCTGGAGCACCACAGA[AAGACCCTCACAG>A]GCGGCAGAGCCCAGCCGGCAGATGCCCAACCTGCAAAGACAGGATGCTAGGGCGGAGTGG-3'